The following is an entry in ClinVar:

ClinVar aggregate classification (germline): Conflicting classifications of pathogenicity. Review status: criteria provided, conflicting classifications (1 of 4 stars). 3 submissions from 3 submitters: Likely pathogenic (1); Uncertain significance (1). 1 of the submissions does not count toward it. Last evaluated 2026-03-03.

Conditions:
Familial long QT syndrome (RWS). Also called: Congenital long QT syndrome; Romano-Ward syndrome; VENTRICULAR FIBRILLATION WITH PROLONGED QT INTERVAL. Identifiers: Orphanet 768, MedGen C1141890, MONDO:0019171.
Long QT syndrome (LQTS). Identifiers: MedGen C0023976, MeSH D008133, MONDO:0002442. Disease mechanism: loss of function. Inheritance: Various modes of inheritance.

Submissions (3):

GeneDx
Classification: Likely pathogenic. Last evaluated: 2026-03-03. Review status: criteria provided, single submitter. Criteria: GeneDx Variant Classification Process June 2021. Collection method: clinical testing. Allele origin: germline.
Comment: Reported in association with long QT syndrome (Tester et al., 2005; Kapplinger et al., 2009; Izumi et al., 2016); Published functional studies suggest a damaging effect on protein trafficking and folding (Anderson et al., 2014; Anderson et al., 2020); Not observed at significant frequency in large population cohorts (gnomAD); In silico analysis supports that this missense variant has a deleterious effect on protein structure/function; This variant is associated with the following publications: (PMID: 32475984, 25417810, 15840476, 22581653, 19716085, 27041096, 35688148)

Labcorp Genetics (formerly Invitae), Labcorp
Classification: Uncertain significance for Long QT syndrome. Last evaluated: 2024-03-03. Review status: criteria provided, single submitter. Criteria: Invitae Variant Classification Sherloc (09022015). Collection method: clinical testing. Allele origin: germline.
Comment: This sequence change replaces alanine, which is neutral and non-polar, with valine, which is neutral and non-polar, at codon 85 of the KCNH2 protein (p.Ala85Val). This variant is not present in population databases (gnomAD no frequency). This missense change has been observed in individual(s) with clinical features of long QT syndrome (PMID: 15840476; Invitae). ClinVar contains an entry for this variant (Variation ID: 67411). An algorithm developed to predict the effect of missense changes on protein structure and function (PolyPhen-2) suggests that this variant is likely to be disruptive. Experimental studies have shown that this missense change affects KCNH2 function (PMID: 25417810, 32475984, 35688148). In summary, the available evidence is currently insufficient to determine the role of this variant in disease. Therefore, it has been classified as a Variant of Uncertain Significance.

Cardiovascular Biomedical Research Unit, Royal Brompton & Harefield NHS Foundation Trust
No classification provided. Condition: Familial long QT syndrome. Review status: no classification provided. Collection method: literature only. Allele origin: germline. Not counted in ClinVar's aggregate classification.
Comment: This variant has been reported as associated with Long QT syndrome in the following publications (PMID:15840476;PMID:19716085). This is a literature report, and does not necessarily reflect the clinical interpretation of the Imperial College / Royal Brompton Cardiovascular Genetics laboratory.

Literature cited by the submitters: PubMed 15840476 (cited by Labcorp Genetics (formerly Invitae), Labcorp and Cardiovascular Biomedical Research Unit, Royal Brompton & Harefield NHS Foundation Trust); PubMed 25417810 (cited by Labcorp Genetics (formerly Invitae), Labcorp); PubMed 32475984 (cited by Labcorp Genetics (formerly Invitae), Labcorp); PubMed 35688148 (cited by Labcorp Genetics (formerly Invitae), Labcorp); PubMed 19716085 (cited by Cardiovascular Biomedical Research Unit, Royal Brompton & Harefield NHS Foundation Trust); PubMed 22581653 (cited by Cardiovascular Biomedical Research Unit, Royal Brompton & Harefield NHS Foundation Trust).

NM_000238.4(KCNH2):c.254C>T (p.Ala85Val)

Gene: KCNH2 (potassium voltage-gated channel subfamily H member 2; minus strand). Cytogenetic location: 7q36.1.
Variant type: single nucleotide variant.
Coding change: c.254C>T on transcript NM_000238.4 (MANE Select); coding-DNA position 254, C replaced by T.
Protein change: p.Ala85Val; replaces alanine 85 with valine.
Molecular consequence: missense variant.
Genome position (GRCh38, 1-based): chr7:150,974,764, G>A on the plus strand (C>T on the coding strand, the complement: KCNH2 is on the minus strand). VCF-style: chr7-150974764-G-A. GRCh37 (hg19) VCF-style: chr7-150671852-G-A.
Other names: c.254C>T (LRG_288t1, NM_000238.2); c.77C>T, p.Ala26Val (NM_001406755.1); c.254C>T, p.Ala85Val (NM_172056.3); short protein forms A85V, A26V.
Identifiers: ClinVar variation 67411 (VCV000067411.7), dbSNP rs199473494, ClinGen allele CA006934.